The following is an entry in ClinVar:

ClinVar aggregate classification (germline): Uncertain significance. Review status: criteria provided, multiple submitters, no conflicts (2 of 4 stars). 3 submissions from 3 submitters: Uncertain significance (3). Last evaluated 2026-01-07.

Conditions:
Familial thoracic aortic aneurysm and aortic dissection (TAAD). Also called: Thoracic aortic aneurysms and dissections. Identifiers: Orphanet 91387, MedGen C4707243, MONDO:0019625.
Aortic aneurysm, familial thoracic 7 (AAT7). Also called: AORTIC DISSECTION, FAMILIAL, WITH OR WITHOUT AORTIC ANEURYSM. Identifiers: MedGen C3151077, MONDO:0013418, OMIM 613780.

Allele frequency attached by ClinVar (database versions not stated): gnomAD 0.00001; gnomAD exomes 0.00002; TOPMed 0.00003; ExAC 0.00004; ESP Exome Variant Server 0.00008.
gnomAD v4.1: 30 of 1,614,042 alleles (0.0019%); highest among the groups gnomAD compares: Non-Finnish European, 0.0023%; no homozygotes.

Submissions (3):

GeneDx
Classification: Uncertain significance. Last evaluated: 2026-01-07. Review status: criteria provided, single submitter. Criteria: GeneDx Variant Classification Process June 2021. Collection method: clinical testing. Allele origin: germline. Affected: yes.
Comment: Has not been previously published as pathogenic or benign to our knowledge; In silico analysis suggests that this missense variant does not alter protein structure/function; Not observed at significant frequency in large population cohorts (gnomAD)

Labcorp Genetics (formerly Invitae), Labcorp
Classification: Uncertain significance for Aortic aneurysm, familial thoracic 7. Last evaluated: 2024-12-26. Review status: criteria provided, single submitter. Criteria: Invitae Variant Classification Sherloc (09022015). Collection method: clinical testing. Allele origin: germline.
Comment: This sequence change replaces glutamine, which is neutral and polar, with lysine, which is basic and polar, at codon 225 of the MYLK protein (p.Gln225Lys). This variant is present in population databases (rs148174313, gnomAD 0.005%). This variant has not been reported in the literature in individuals affected with MYLK-related conditions. ClinVar contains an entry for this variant (Variation ID: 1195603). Invitae Evidence Modeling of protein sequence and biophysical properties (such as structural, functional, and spatial information, amino acid conservation, physicochemical variation, residue mobility, and thermodynamic stability) indicates that this missense variant is not expected to disrupt MYLK protein function with a negative predictive value of 95%. In summary, the available evidence is currently insufficient to determine the role of this variant in disease. Therefore, it has been classified as a Variant of Uncertain Significance.

Ambry Genetics
Classification: Uncertain significance for Familial thoracic aortic aneurysm and aortic dissection. Last evaluated: 2021-05-21. Review status: criteria provided, single submitter. Criteria: Ambry Variant Classification Scheme 2023. Collection method: clinical testing. Allele origin: germline.
Comment: The p.Q225K variant (also known as c.673C>A), located in coding exon 5 of the MYLK gene, results from a C to A substitution at nucleotide position 673. The glutamine at codon 225 is replaced by lysine, an amino acid with similar properties. This amino acid position is not well conserved in available vertebrate species. In addition, this alteration is predicted to be tolerated by in silico analysis. Since supporting evidence is limited at this time, the clinical significance of this alteration remains unclear.

NM_053025.4(MYLK):c.673C>A (p.Gln225Lys)

Gene: MYLK (myosin light chain kinase; minus strand). Cytogenetic location: 3q21.1.
Variant type: single nucleotide variant.
Coding change: c.673C>A on transcript NM_053025.4 (MANE Select); coding-DNA position 673, C replaced by A.
Protein change: p.Gln225Lys; replaces glutamine 225 with lysine.
Molecular consequence: missense variant.
Genome position (GRCh38, 1-based): chr3:123,737,459, G>T on the plus strand (C>A on the coding strand, the complement: MYLK is on the minus strand). VCF-style: chr3-123737459-G-T. GRCh37 (hg19) VCF-style: chr3-123456306-G-T.
Other names: c.145C>A, p.Gln49Lys (NM_001321309.2); c.673C>A, p.Gln225Lys (NM_053026.4, NM_053027.4, NM_053028.4); short protein forms Q225K, Q49K.
Identifiers: ClinVar variation 1195603 (VCV001195603.10), dbSNP rs148174313, ClinGen allele CA073434.